The following is an entry in ClinVar:

ClinVar aggregate classification (germline): Uncertain significance (1 of 4 stars; one submission).

Conditions:
Hereditary cancer-predisposing syndrome. Also called: Neoplastic Syndromes, Hereditary; Tumor predisposition; Hereditary Cancer Syndrome; Hereditary neoplastic syndrome. Identifiers: Orphanet 140162, MedGen C0027672, MeSH D009386, MONDO:0015356.

Submission:

Ambry Genetics
Classification: Uncertain significance for Hereditary cancer-predisposing syndrome. Last evaluated: 2022-06-18. Review status: criteria provided, single submitter. Criteria: Ambry Variant Classification Scheme 2023. Collection method: clinical testing. Allele origin: germline.
Comment: The p.Q679L variant (also known as c.2036A>T), located in coding exon 18 of the MRE11A gene, results from an A to T substitution at nucleotide position 2036. The glutamine at codon 679 is replaced by leucine, an amino acid with dissimilar properties. This amino acid position is conserved. In addition, this alteration is predicted to be tolerated by in silico analysis. Since supporting evidence is limited at this time, the clinical significance of this alteration remains unclear.

NM_005591.4(MRE11):c.2036A>T (p.Gln679Leu)

Gene: MRE11 (MRE11 double strand break repair nuclease; minus strand). Cytogenetic location: 11q21.
Variant type: single nucleotide variant.
Coding change: c.2036A>T on transcript NM_005591.4 (MANE Select); coding-DNA position 2036, A replaced by T.
Protein change: p.Gln679Leu; replaces glutamine 679 with leucine.
Molecular consequence: missense variant.
Genome position (GRCh38, 1-based): chr11:94,429,945, T>A on the plus strand (A>T on the coding strand, the complement: MRE11 is on the minus strand). VCF-style: chr11-94429945-T-A. GRCh37 (hg19) VCF-style: chr11-94163111-T-A.
Other names: c.2033A>T, p.Gln678Leu (NM_001330347.2); c.1952A>T, p.Gln651Leu (NM_005590.4); short protein forms Q651L, Q678L, Q679L.
Identifiers: ClinVar variation 1800129 (VCV001800129.2), dbSNP rs2496165768, ClinGen allele CA382373495.